The following is an entry in ClinVar:

ClinVar aggregate classification (germline): Benign (1 of 4 stars; one submission).

Conditions:
Cone-rod synaptic disorder, congenital nonprogressive. Also called: NIGHT BLINDNESS, CONGENITAL STATIONARY, INCOMPLETE, AUTOSOMAL RECESSIVE. Identifiers: Orphanet 215, MedGen C4041558, MONDO:0012490, OMIM 610427.

Allele frequency attached by ClinVar (database versions not stated): gnomAD 0.00796 and 0.01027; 1000 Genomes Project 0.15136.
gnomAD v4.1: 1,194 of 117,918 alleles (1%); highest among the groups gnomAD compares: South Asian, 7.1%; 20 homozygotes.

Submission:

Illumina Laboratory Services, Illumina
Classification: Benign for Cone-rod synaptic disorder, congenital nonprogressive. Last evaluated: 2018-01-12. Review status: criteria provided, single submitter. Criteria: ICSL Variant Classification Criteria 13 December 2019. Collection method: clinical testing. Allele origin: germline.
Comment: This variant was observed in the ICSL laboratory as part of a predisposition screen in an ostensibly healthy population. It had not been previously curated by ICSL or reported in the Human Gene Mutation Database (HGMD: prior to June 1st, 2018), and was therefore a candidate for classification through an automated scoring system. Utilizing variant allele frequency, disease prevalence and penetrance estimates, and inheritance mode, an automated score was calculated to assess if this variant is too frequent to cause the disease. Based on the score and internal cut-off values, a variant classified as benign is not then subjected to further curation. The score for this variant resulted in a classification of benign for this disease.

NM_145200.5(CABP4):c.*1859C>T

Gene: CABP4 (calcium binding protein 4; plus strand). Cytogenetic location: 11q13.2.
Variant type: single nucleotide variant.
Coding change: c.*1859C>T on transcript NM_145200.5 (MANE Select); 1859 bases downstream of the stop codon, C replaced by T.
Molecular consequence: 3 prime UTR variant. On other transcripts: non-coding transcript variant (1).
Genome position (GRCh38, 1-based): chr11:67,460,518, C>T. VCF-style: chr11-67460518-C-T. GRCh37 (hg19) VCF-style: chr11-67227989-C-T.
Other names: c.*1859C>T (NM_001300895.3, NM_001300896.3, NM_001379183.1).
Identifiers: ClinVar variation 305699 (VCV000305699.5), dbSNP rs7936733, ClinGen allele CA10639869.
Genomic context (GRCh38, chr11:67,460,518, plus strand): 5'-TCAAAAAGAAAAAAACAAACCATGGCTTCTGTTAAAAAAATAAAGTATATTTTATATATA[C>T]ACACACACACACACACACACACACAGCCATTGGAATGAAAAAATAATGGATAAGCTAAAC-3'